The following is an entry in ClinVar:

NM_004171.4(SLC1A2):c.311-7A>T

Gene: SLC1A2 (solute carrier family 1 member 2; minus strand). Cytogenetic location: 11p13.
Variant type: single nucleotide variant.
Coding change: c.311-7A>T on transcript NM_004171.4 (MANE Select); 7 bases into the intron before coding-DNA position 311, A replaced by T.
Molecular consequence: intron variant.
Genome position (GRCh38, 1-based): chr11:35,312,455, T>A on the plus strand (A>T on the coding strand, the complement: SLC1A2 is on the minus strand). VCF-style: chr11-35312455-T-A. GRCh37 (hg19) VCF-style: chr11-35334002-T-A.
Other names: c.284-7A>T (NM_001195728.3, NM_001252652.2).
Identifiers: ClinVar variation 1662341 (VCV001662341.21), dbSNP rs746081104, ClinGen allele CA5947340.

ClinVar aggregate classification (germline): Conflicting classifications of pathogenicity. Review status: criteria provided, conflicting classifications (1 of 4 stars). 2 submissions from 2 submitters: Uncertain significance (1); Likely benign (1). Last evaluated 2025-01-01.

Allele frequency attached by ClinVar (database versions not stated): gnomAD exomes below 0.00001; ExAC 0.00001; gnomAD 0.00001; TOPMed 0.00001.
gnomAD v4.1: 4 of 1,613,384 alleles (0.00025%); highest among the groups gnomAD compares: Non-Finnish European, 0.00034%; no homozygotes.

Submissions (2):

CeGaT Center for Human Genetics Tuebingen
Classification: Uncertain significance. Last evaluated: 2025-01-01. Review status: criteria provided, single submitter. Criteria: CeGaT Center For Human Genetics Tuebingen Variant Classification Criteria Version 2. Collection method: clinical testing. Allele origin: germline. Affected: yes. Observed: 1 variant allele.
Comment: SLC1A2: PM2, BP4

Labcorp Genetics (formerly Invitae), Labcorp
Classification: Likely benign. Last evaluated: 2024-04-29. Review status: criteria provided, single submitter. Criteria: Invitae Variant Classification Sherloc (09022015). Collection method: clinical testing. Allele origin: germline.